The following is an entry in ClinVar:

ClinVar aggregate classification (germline): Uncertain significance. Review status: criteria provided, multiple submitters, no conflicts (2 of 4 stars). 2 submissions from 2 submitters: Uncertain significance (2). Last evaluated 2023-08-10.

Allele frequency attached by ClinVar (database versions not stated): gnomAD 0.00002; TOPMed 0.00002.

Submissions (2):

Labcorp Genetics (formerly Invitae), Labcorp
Classification: Uncertain significance. Last evaluated: 2023-08-10. Review status: criteria provided, single submitter. Criteria: Invitae Variant Classification Sherloc (09022015). Collection method: clinical testing. Allele origin: germline.
Comment: In summary, the available evidence is currently insufficient to determine the role of this variant in disease. Therefore, it has been classified as a Variant of Uncertain Significance. An algorithm developed to predict the effect of missense changes on protein structure and function (PolyPhen-2) suggests that this variant is likely to be tolerated. ClinVar contains an entry for this variant (Variation ID: 1504280). This variant has not been reported in the literature in individuals affected with PRPF31-related conditions. This variant is present in population databases (rs768486884, gnomAD 0.003%). This sequence change replaces alanine, which is neutral and non-polar, with valine, which is neutral and non-polar, at codon 87 of the PRPF31 protein (p.Ala87Val).

Blueprint Genetics
Classification: Uncertain significance. Last evaluated: 2023-07-03. Review status: criteria provided, single submitter. Criteria: ACMG Guidelines, 2015. Collection method: clinical testing. Allele origin: germline.

NM_015629.4(PRPF31):c.260C>T (p.Ala87Val)

Genes: PRPF31 (pre-mRNA processing factor 31; plus strand), PRPF31-AS1 (PRPF31 antisense RNA 1; minus strand). Cytogenetic location: 19q13.42.
Variant type: single nucleotide variant.
Coding change: c.260C>T on transcript NM_015629.4 (MANE Select); coding-DNA position 260, C replaced by T.
Protein change: p.Ala87Val; replaces alanine 87 with valine.
Molecular consequence: missense variant.
Genome position (GRCh38, 1-based): chr19:54,121,881, C>T. VCF-style: chr19-54121881-C-T. GRCh37 (hg19) VCF-style: chr19-54625260-C-T.
Other names: short protein forms A87V.
Identifiers: ClinVar variation 1504280 (VCV001504280.10), dbSNP rs768486884, ClinGen allele CA309323457.